The following is an entry in ClinVar:

NM_000038.6(APC):c.3609A>T (p.Gly1203=)

Gene: APC (APC regulator of Wnt signaling pathway; plus strand). Cytogenetic location: 5q22.2.
Variant type: single nucleotide variant.
Coding change: c.3609A>T on transcript NM_000038.6 (MANE Select); coding-DNA position 3609, A replaced by T.
Protein change: p.Gly1203=; no amino-acid change (glycine 1203 retained).
Molecular consequence: synonymous variant.
Genome position (GRCh38, 1-based): chr5:112,839,203, A>T. VCF-style: chr5-112839203-A-T. GRCh37 (hg19) VCF-style: chr5-112174900-A-T.
Other names: c.3609A>T, p.Gly1203= (NM_001127510.3, NM_001354895.2); c.3555A>T, p.Gly1185= (NM_001127511.3); c.3663A>T, p.Gly1221= (NM_001354896.2); c.3639A>T, p.Gly1213= (NM_001354897.2); c.3534A>T, p.Gly1178= (NM_001354898.2); c.3525A>T, p.Gly1175= (NM_001354899.2); c.3486A>T, p.Gly1162= (NM_001354900.2); c.3432A>T, p.Gly1144= (NM_001354901.2); and 5 more.
Identifiers: ClinVar variation 482512 (VCV000482512.8), dbSNP rs1554085177, ClinGen allele CA445963661.

ClinVar aggregate classification (germline): Benign/Likely benign. Review status: criteria provided, multiple submitters, no conflicts (2 of 4 stars). 3 submissions from 3 submitters: Benign (1); Likely benign (2). Last evaluated 2024-10-15.

Conditions:
Hereditary cancer-predisposing syndrome. Also called: Neoplastic Syndromes, Hereditary; Tumor predisposition; Hereditary Cancer Syndrome; Hereditary neoplastic syndrome. Identifiers: Orphanet 140162, MedGen C0027672, MeSH D009386, MONDO:0015356.
Familial adenomatous polyposis 1 (FAP1). Also called: FAMILIAL ADENOMATOUS POLYPOSIS 1, ATTENUATED; POLYPOSIS, ADENOMATOUS INTESTINAL. Identifiers: MedGen C2713442, MONDO:0021056, OMIM 175100. Disease mechanism: loss of function.

Submissions (3):

Labcorp Genetics (formerly Invitae), Labcorp
Classification: Likely benign for Familial adenomatous polyposis 1. Last evaluated: 2024-10-15. Review status: criteria provided, single submitter. Criteria: Invitae Variant Classification Sherloc (09022015). Collection method: clinical testing. Allele origin: germline.

Myriad Genetics, Inc.
Classification: Benign for Familial adenomatous polyposis 1. Last evaluated: 2024-03-21. Review status: criteria provided, single submitter. Criteria: Myriad Autosomal Dominant, Autosomal Recessive and X-Linked Classification Criteria (2023). Collection method: clinical testing. Allele origin: unknown.
Comment: This variant is considered benign. This variant is a silent/synonymous amino acid change and it is not expected to impact splicing.

Ambry Genetics
Classification: Likely benign for Hereditary cancer-predisposing syndrome. Last evaluated: 2017-09-05. Review status: criteria provided, single submitter. Criteria: Ambry Variant Classification Scheme 2023. Collection method: clinical testing. Allele origin: germline.